The following is an entry in ClinVar:

NC_000022.11:g.20354801G>A

Variant type: single nucleotide variant.
Genome position: GRCh38 VCF-style: chr22-20354801-G-A. GRCh37 (hg19) VCF-style: chr22-20709091-G-A.
Identifiers: ClinVar variation 2652888 (VCV002652888.24), dbSNP rs577466293, ClinGen allele CA10110807.

ClinVar aggregate classification (germline): Likely benign (1 of 4 stars; one submission).

Submission:

CeGaT Center for Human Genetics Tuebingen
Classification: Likely benign. Last evaluated: 2023-01-01. Review status: criteria provided, single submitter. Criteria: CeGaT Center For Human Genetics Tuebingen Variant Classification Criteria Version 2. Collection method: clinical testing. Allele origin: germline. Affected: yes. Observed: 1 variant allele.
Comment: FAM230A: BS2